The following is an entry in ClinVar:

NM_005896.4(IDH1):c.668T>G (p.Phe223Cys)

Gene: IDH1 (isocitrate dehydrogenase (NADP(+)) 1; minus strand). Cytogenetic location: 2q34.
Variant type: single nucleotide variant.
Coding change: c.668T>G on transcript NM_005896.4 (MANE Select); coding-DNA position 668, T replaced by G.
Protein change: p.Phe223Cys; replaces phenylalanine 223 with cysteine.
Molecular consequence: missense variant.
Genome position (GRCh38, 1-based): chr2:208,243,457, A>C on the plus strand (T>G on the coding strand, the complement: IDH1 is on the minus strand). VCF-style: chr2-208243457-A-C. GRCh37 (hg19) VCF-style: chr2-209108181-A-C.
Other names: c.668T>G, p.Phe223Cys (NM_001282386.1, NM_001282387.1); short protein forms F223C.
Identifiers: ClinVar variation 3527493 (VCV003527493.1).

ClinVar aggregate classification (germline): Uncertain significance (1 of 4 stars; one submission).

Submission:

Ambry Genetics
Classification: Uncertain significance. Last evaluated: 2024-10-30. Review status: criteria provided, single submitter. Criteria: Ambry Variant Classification Scheme 2023. Collection method: clinical testing. Allele origin: germline.
Comment: The p.F223C variant (also known as c.668T>G), located in coding exon 4 of the IDH1 gene, results from a T to G substitution at nucleotide position 668. The phenylalanine at codon 223 is replaced by cysteine, an amino acid with highly dissimilar properties. This amino acid position is conserved. In addition, this alteration is predicted to be deleterious by in silico analysis. Based on the available evidence, the clinical significance of this variant remains unclear.